The following is an entry in ClinVar:

ClinVar aggregate classification (germline): Uncertain significance (1 of 4 stars; one submission).

Conditions:
Warburg micro syndrome 2 (WARBM2). Also called: MICRO SYNDROME 2. Identifiers: Orphanet 2510, MedGen C3280214, MONDO:0013641, OMIM 614225.
Martsolf syndrome (MARTS). Also called: Congenital cataract with intellectual disability and hypogonadotropic hypogonadism syndrome. Identifiers: Orphanet 1387, MedGen C0796037, MONDO:0023910.

Allele frequency attached by ClinVar (database versions not stated): gnomAD exomes below 0.00001; TOPMed below 0.00001; gnomAD 0.00002.
gnomAD v4.1: 10 of 1,612,716 alleles (0.00062%); highest among the groups gnomAD compares: African/African-American, 0.008%; no homozygotes.

Submission:

Labcorp Genetics (formerly Invitae), Labcorp
Classification: Uncertain significance for Martsolf syndrome; Warburg micro syndrome 2. Last evaluated: 2022-05-11. Review status: criteria provided, single submitter. Criteria: Invitae Variant Classification Sherloc (09022015). Collection method: clinical testing. Allele origin: germline.
Comment: In summary, the available evidence is currently insufficient to determine the role of this variant in disease. Therefore, it has been classified as a Variant of Uncertain Significance. Algorithms developed to predict the effect of missense changes on protein structure and function are either unavailable or do not agree on the potential impact of this missense change (SIFT: "Deleterious"; PolyPhen-2: "Probably Damaging"; Align-GVGD: "Class C0"). This variant has not been reported in the literature in individuals affected with RAB3GAP2-related conditions. This variant is not present in population databases (gnomAD no frequency). This sequence change replaces leucine, which is neutral and non-polar, with phenylalanine, which is neutral and non-polar, at codon 674 of the RAB3GAP2 protein (p.Leu674Phe).

NM_012414.4(RAB3GAP2):c.2020C>T (p.Leu674Phe)

Gene: RAB3GAP2 (RAB3 GTPase activating non-catalytic protein subunit 2; minus strand). Cytogenetic location: 1q41.
Variant type: single nucleotide variant.
Coding change: c.2020C>T on transcript NM_012414.4 (MANE Select); coding-DNA position 2020, C replaced by T.
Protein change: p.Leu674Phe; replaces leucine 674 with phenylalanine.
Molecular consequence: missense variant.
Genome position (GRCh38, 1-based): chr1:220,182,910, G>A on the plus strand (C>T on the coding strand, the complement: RAB3GAP2 is on the minus strand). VCF-style: chr1-220182910-G-A. GRCh37 (hg19) VCF-style: chr1-220356252-G-A.
Other names: short protein forms L674F.
Identifiers: ClinVar variation 2139510 (VCV002139510.4), dbSNP rs532062691, ClinGen allele CA37560607.